The following is an entry in ClinVar:

NM_016507.4(CDK12):c.3785C>A (p.Pro1262Gln)

Gene: CDK12 (cyclin dependent kinase 12; plus strand). Cytogenetic location: 17q12.
Variant type: single nucleotide variant.
Coding change: c.3785C>A on transcript NM_016507.4 (MANE Select); coding-DNA position 3785, C replaced by A.
Protein change: p.Pro1262Gln; replaces proline 1262 with glutamine.
Molecular consequence: missense variant. On other transcripts: intron variant (1).
Genome position (GRCh38, 1-based): chr17:39,530,628, C>A. VCF-style: chr17-39530628-C-A. GRCh37 (hg19) VCF-style: chr17-37686881-C-A.
Other names: c.3761-3C>A (NM_015083.4); short protein forms P1262Q.
Identifiers: ClinVar variation 3999418 (VCV003999418.1).

ClinVar aggregate classification (germline): Uncertain significance (1 of 4 stars; one submission).

Submission:

Ambry Genetics
Classification: Uncertain significance. Last evaluated: 2025-05-03. Review status: criteria provided, single submitter. Criteria: Ambry Variant Classification Scheme 2023. Collection method: clinical testing. Allele origin: germline.
Comment: The p.P1262Q variant (also known as c.3785C>A), located in coding exon 14 of the CDK12 gene, results from a C to A substitution at nucleotide position 3785. The proline at codon 1262 is replaced by glutamine, an amino acid with similar properties. This amino acid position is conserved. In addition, the in silico prediction for this alteration is inconclusive. Based on the available evidence, the clinical significance of this variant remains unclear.